The following is an entry in ClinVar:

NM_198060.4(NRAP):c.4699A>G (p.Ser1567Gly)

Gene: NRAP (nebulin related anchoring protein; minus strand). Cytogenetic location: 10q25.3.
Variant type: single nucleotide variant.
Coding change: c.4699A>G on transcript NM_198060.4 (MANE Select); coding-DNA position 4699, A replaced by G.
Protein change: p.Ser1567Gly; replaces serine 1567 with glycine.
Molecular consequence: missense variant.
Genome position (GRCh38, 1-based): chr10:113,590,835, T>C on the plus strand (A>G on the coding strand, the complement: NRAP is on the minus strand). VCF-style: chr10-113590835-T-C. GRCh37 (hg19) VCF-style: chr10-115350594-T-C.
Other names: c.4699A>G, p.Ser1567Gly (NM_001261463.2); c.4591A>G, p.Ser1531Gly (NM_001322945.2); c.4594A>G, p.Ser1532Gly (NM_006175.5); c.4699A>G (NM_001261463.1, NM_198060.3); short protein forms S1531G, S1532G, S1567G.
Identifiers: ClinVar variation 2236320 (VCV002236320.5), dbSNP rs11575799, ClinGen allele CA5694306.

ClinVar aggregate classification (germline): Conflicting classifications of pathogenicity. Review status: criteria provided, conflicting classifications (1 of 4 stars). 3 submissions from 3 submitters: Uncertain significance (1); Likely benign (1). 1 of the submissions does not count toward it. Last evaluated 2025-04-09.

Conditions:
Inborn genetic diseases. Identifiers: MedGen C0950123, MeSH D030342.
NRAP-related disorder. Also called: NRAP-related condition.

Allele frequency attached by ClinVar (database versions not stated): gnomAD exomes 0.00017; ExAC 0.00054; 1000 Genomes Project 30x 0.00062; 1000 Genomes Project 0.00080; gnomAD 0.00118; ESP Exome Variant Server 0.00123; TOPMed 0.00151.
gnomAD v4.1: 465 of 1,614,200 alleles (0.029%); highest among the groups gnomAD compares: African/African-American, 0.37%; 1 homozygote.

Submissions (3):

Molecular Diagnostic Laboratory for Inherited Cardiovascular Disease, Montreal Heart Institute
Classification: Likely benign. Last evaluated: 2025-04-09. Review status: criteria provided, single submitter. Criteria: ACMG Guidelines, 2015. Collection method: clinical testing. Allele origin: germline. Affected: no.
Comment: BS1, BP4

Ambry Genetics
Classification: Uncertain significance for Inborn genetic diseases. Last evaluated: 2021-07-09. Review status: criteria provided, single submitter. Criteria: Ambry Variant Classification Scheme 2023. Collection method: clinical testing. Allele origin: germline.

PreventionGenetics, part of Exact Sciences
Classification: Likely benign for NRAP-related condition. Last evaluated: 2021-01-27. Review status: no assertion criteria provided. Collection method: clinical testing. Allele origin: germline. Not counted in ClinVar's aggregate classification.
Comment: This variant is classified as likely benign based on ACMG/AMP sequence variant interpretation guidelines (Richards et al. 2015 PMID: 25741868, with internal and published modifications).